The following is an entry in ClinVar:

ClinVar aggregate classification (germline): Uncertain significance. Review status: criteria provided, multiple submitters, no conflicts (2 of 4 stars). 2 submissions from 2 submitters: Uncertain significance (2). Last evaluated 2025-07-28.

Allele frequency attached by ClinVar (database versions not stated): TOPMed 0.00001; gnomAD 0.00001; gnomAD exomes 0.00002.
gnomAD v4.1: 33 of 1,613,694 alleles (0.002%); highest among the groups gnomAD compares: Non-Finnish European, 0.0026%; no homozygotes.

Submissions (2):

Labcorp Genetics (formerly Invitae), Labcorp
Classification: Uncertain significance. Last evaluated: 2025-07-28. Review status: criteria provided, single submitter. Criteria: Invitae Variant Classification Sherloc (09022015). Collection method: clinical testing. Allele origin: germline.
Comment: This sequence change replaces alanine, which is neutral and non-polar, with threonine, which is neutral and polar, at codon 1755 of the NIN protein (p.Ala1755Thr). This variant is present in population databases (no rsID available, gnomAD 0.002%). This variant has not been reported in the literature in individuals affected with NIN-related conditions. ClinVar contains an entry for this variant (Variation ID: 2554766). An algorithm developed to predict the effect of missense changes on protein structure and function (PolyPhen-2) suggests that this variant is likely to be tolerated. In summary, the available evidence is currently insufficient to determine the role of this variant in disease. Therefore, it has been classified as a Variant of Uncertain Significance.

Ambry Genetics
Classification: Uncertain significance. Last evaluated: 2023-06-01. Review status: criteria provided, single submitter. Criteria: Ambry Variant Classification Scheme 2023. Collection method: clinical testing. Allele origin: germline.

NM_020921.4(NIN):c.5263G>A (p.Ala1755Thr)

Gene: NIN (ninein; minus strand). Cytogenetic location: 14q22.1.
Variant type: single nucleotide variant.
Coding change: c.5263G>A on transcript NM_020921.4 (MANE Select); coding-DNA position 5263, G replaced by A.
Protein change: p.Ala1755Thr; replaces alanine 1755 with threonine.
Molecular consequence: missense variant.
Genome position (GRCh38, 1-based): chr14:50,743,454, C>T on the plus strand (G>A on the coding strand, the complement: NIN is on the minus strand). VCF-style: chr14-50743454-C-T. GRCh37 (hg19) VCF-style: chr14-51210172-C-T.
Other names: c.3124G>A, p.Ala1042Thr (NM_016350.5); c.5263G>A, p.Ala1755Thr (NM_182944.3, NM_182946.2); short protein forms A1042T, A1755T.
Identifiers: ClinVar variation 2554766 (VCV002554766.5), dbSNP rs1474543573, ClinGen allele CA389681249.
Genomic context (GRCh38, chr14:50,743,454, plus strand): 5'-GAAACAAGAATTGTCCATGTACCTTTTCCTGAGAAGCCACCAGCTGTGACTTTAAGCTCG[C>T]ACTCTGATGTTCCCAGGATTTCTGTTCCTGCTTCATCGTCGCAATTCTATGCTCTAAAAG-3'
Protein context (NP_065972.4, residues 1745-1765): QEQKSWEHQS[Ala1755Thr]SLKSQLVASQ